The following is an entry in ClinVar:

NM_000015.3(NAT2):c.803G>A (p.Arg268Lys)

Gene: NAT2 (N-acetyltransferase 2; plus strand). Cytogenetic location: 8p22.
Variant type: single nucleotide variant.
Coding change: c.803G>A on transcript NM_000015.3 (MANE Select); coding-DNA position 803, G replaced by A.
Protein change: p.Arg268Lys; replaces arginine 268 with lysine.
Molecular consequence: missense variant.
Genome position (GRCh38, 1-based): chr8:18,400,806, G>A. VCF-style: chr8-18400806-G-A. GRCh37 (hg19) VCF-style: chr8-18258316-G-A.
Other names: short protein forms R268K.
Identifiers: ClinVar variation 3059207 (VCV003059207.2), dbSNP rs1208, ClinGen allele CA4651704.

ClinVar aggregate classification (germline): Likely benign (0 of 4 stars; one submission).

Conditions:
NAT2-related disorder. Also called: NAT2-related condition.

Allele frequency attached by ClinVar (database versions not stated): gnomAD exomes 0.59072; TOPMed 0.60740; ExAC 0.61720; 1000 Genomes Project 30x 0.66818; 1000 Genomes Project 0.67712.
gnomAD v4.1: 953,799 of 1,610,782 alleles (59%); highest among the groups gnomAD compares: East Asian, 96%; 286,455 homozygotes.

Submission:

PreventionGenetics, part of Exact Sciences
Classification: Likely benign for NAT2-related condition. Last evaluated: 2019-11-06. Review status: no assertion criteria provided. Collection method: clinical testing. Allele origin: germline.
Comment: This variant is classified as likely benign based on ACMG/AMP sequence variant interpretation guidelines (Richards et al. 2015 PMID: 25741868, with internal and published modifications).